The following is an entry in ClinVar:

ClinVar aggregate classification (germline): Pathogenic (1 of 4 stars; one submission).

Submission:

Labcorp Genetics (formerly Invitae), Labcorp
Classification: Pathogenic. Last evaluated: 2022-11-29. Review status: criteria provided, single submitter. Criteria: Invitae Variant Classification Sherloc (09022015). Collection method: clinical testing. Allele origin: unknown.
Comment: Experimental studies and prediction algorithms are not available or were not evaluated, and the functional significance of this variant is currently unknown. This variant has not been reported in the literature in individuals affected with COL11A1-related conditions. This variant is a gross deletion of the genomic region encompassing exon(s) 53-54 of the COL11A1 gene. This variant would be expected to be in-frame, preserving the integrity of the reading frame. This variant disrupts a region of the COL11A1 protein in which other variant(s) (p.Asp1334_Gly1336del) have been determined to be pathogenic (Invitae). This suggests that this is a clinically significant region of the protein, and that variants that disrupt it are likely to be disease-causing. For these reasons, this variant has been classified as Pathogenic.

NC_000001.10:g.(?_103377695)_(103379266_?)del

Gene: COL11A1 (collagen type XI alpha 1 chain; minus strand). Cytogenetic location: 1p21.1.
Variant type: Deletion.
Identifiers: ClinVar variation 3247926 (VCV003247926.1).